The following is an entry in ClinVar:

ClinVar aggregate classification (germline): Uncertain significance. Review status: criteria provided, multiple submitters, no conflicts (2 of 4 stars). 3 submissions from 3 submitters: Uncertain significance (3). Last evaluated 2026-01-12.

Conditions:
Spondylodysplastic Ehlers-Danlos syndrome. Identifiers: Orphanet 536471, Orphanet 75496, MedGen C5680154, MONDO:0007526.
Inborn genetic diseases. Identifiers: MedGen C0950123, MeSH D030342.

Allele frequency attached by ClinVar (database versions not stated): ExAC 0.00002; gnomAD 0.00002; gnomAD exomes 0.00001; TOPMed 0.00003.
gnomAD v4.1: 19 of 1,613,606 alleles (0.0012%); highest among the groups gnomAD compares: Admixed American, 0.005%; no homozygotes.

Submissions (3):

Labcorp Genetics (formerly Invitae), Labcorp
Classification: Uncertain significance for Spondylodysplastic Ehlers-Danlos syndrome. Last evaluated: 2026-01-12. Review status: criteria provided, single submitter. Criteria: Invitae Variant Classification Sherloc (09022015). Collection method: clinical testing. Allele origin: germline.
Comment: This sequence change replaces arginine, which is basic and polar, with cysteine, which is neutral and slightly polar, at codon 256 of the B4GALT7 protein (p.Arg256Cys). This variant is present in population databases (rs756527433, gnomAD 0.004%). This variant has not been reported in the literature in individuals affected with B4GALT7-related conditions. ClinVar contains an entry for this variant (Variation ID: 1193628). Invitae Evidence Modeling of protein sequence and biophysical properties (such as structural, functional, and spatial information, amino acid conservation, physicochemical variation, residue mobility, and thermodynamic stability) indicates that this missense variant is not expected to disrupt B4GALT7 protein function with a negative predictive value of 80%. In summary, the available evidence is currently insufficient to determine the role of this variant in disease. Therefore, it has been classified as a Variant of Uncertain Significance.

Ambry Genetics
Classification: Uncertain significance for Inborn genetic diseases. Last evaluated: 2025-08-01. Review status: criteria provided, single submitter. Criteria: Ambry Variant Classification Scheme 2023. Collection method: clinical testing. Allele origin: germline.

GeneDx
Classification: Uncertain significance. Last evaluated: 2020-06-19. Review status: criteria provided, single submitter. Criteria: GeneDx Variant Classification Process June 2021. Collection method: clinical testing. Allele origin: germline. Affected: yes.
Comment: Not observed at a significant frequency in large population cohorts (Lek et al., 2016); In silico analysis supports that this missense variant has a deleterious effect on protein structure/function; Has not been previously published as pathogenic or benign to our knowledge

NM_007255.3(B4GALT7):c.766C>T (p.Arg256Cys)

Gene: B4GALT7 (beta-1,4-galactosyltransferase 7; plus strand). Cytogenetic location: 5q35.3.
Variant type: single nucleotide variant.
Coding change: c.766C>T on transcript NM_007255.3 (MANE Select); coding-DNA position 766, C replaced by T.
Protein change: p.Arg256Cys; replaces arginine 256 with cysteine.
Molecular consequence: missense variant.
Genome position (GRCh38, 1-based): chr5:177,608,952, C>T. VCF-style: chr5-177608952-C-T. GRCh37 (hg19) VCF-style: chr5-177035953-C-T.
Other names: short protein forms R256C.
Identifiers: ClinVar variation 1193628 (VCV001193628.4), dbSNP rs756527433, ClinGen allele CA3586679.